The following is an entry in ClinVar:

NM_015662.3(IFT172):c.786-2A>T

Gene: IFT172 (intraflagellar transport 172; minus strand). Cytogenetic location: 2p23.3.
Variant type: single nucleotide variant.
Coding change: c.786-2A>T on transcript NM_015662.3 (MANE Select); the canonical splice acceptor site of the intron before coding-DNA position 786, A replaced by T.
Molecular consequence: splice acceptor variant.
Genome position (GRCh38, 1-based): chr2:27,480,151, T>A on the plus strand (A>T on the coding strand, the complement: IFT172 is on the minus strand). VCF-style: chr2-27480151-T-A. GRCh37 (hg19) VCF-style: chr2-27703018-T-A.
Other names: c.786-2A>T (NM_001410739.1).
Identifiers: ClinVar variation 1805202 (VCV001805202.9), dbSNP rs757253624, ClinGen allele CA1580858.

ClinVar aggregate classification (germline): Conflicting classifications of pathogenicity. Review status: criteria provided, conflicting classifications (1 of 4 stars). 5 submissions from 5 submitters: Likely pathogenic (3); Uncertain significance (1). 1 of the submissions does not count toward it. Last evaluated 2024-06-12.

Conditions:
IFT172-related disorder. Also called: IFT172-related condition; IFT172-related disorders.
Retinitis pigmentosa 71 (RP71). Identifiers: Orphanet 791, MedGen C4225342, MONDO:0014618, OMIM 616394.
Short-rib thoracic dysplasia 10 with or without polydactyly (SRTD10). Identifiers: Orphanet 474, MedGen C3810175, MONDO:0014284, OMIM 615630.
Bardet-Biedl syndrome 20. Identifiers: MedGen C4310707, MONDO:0023670, OMIM 619471, MONDO:0014926.

Allele frequency attached by ClinVar (database versions not stated): gnomAD 0.00003; TOPMed 0.00003.
gnomAD v4.1: 84 of 1,612,268 alleles (0.0052%); highest among the groups gnomAD compares: Non-Finnish European, 0.0069%; no homozygotes.

Submissions (5):

Fulgent Genetics
Classification: Likely pathogenic for Short-rib thoracic dysplasia 10 with or without polydactyly; Retinitis pigmentosa 71; Bardet-Biedl syndrome 20. Last evaluated: 2024-06-12. Review status: criteria provided, single submitter. Criteria: ACMG Guidelines, 2015. Collection method: clinical testing. Allele origin: germline.

Labcorp Genetics (formerly Invitae), Labcorp
Classification: Likely pathogenic for Retinitis pigmentosa 71; Short-rib thoracic dysplasia 10 with or without polydactyly. Last evaluated: 2024-05-28. Review status: criteria provided, single submitter. Criteria: Invitae Variant Classification Sherloc (09022015). Collection method: clinical testing. Allele origin: germline.
Comment: This sequence change affects an acceptor splice site in intron 8 of the IFT172 gene. It is expected to disrupt RNA splicing. Variants that disrupt the donor or acceptor splice site typically lead to a loss of protein function (PMID: 16199547), and loss-of-function variants in IFT172 are known to be pathogenic (PMID: 24140113). This variant is present in population databases (rs757253624, gnomAD 0.002%). This variant has not been reported in the literature in individuals affected with IFT172-related conditions. ClinVar contains an entry for this variant (Variation ID: 1805202). Algorithms developed to predict the effect of sequence changes on RNA splicing suggest that this variant may disrupt the consensus splice site. In summary, the currently available evidence indicates that the variant is pathogenic, but additional data are needed to prove that conclusively. Therefore, this variant has been classified as Likely Pathogenic.

Victorian Clinical Genetics Services, Murdoch Childrens Research Institute
Classification: Uncertain significance for Retinitis pigmentosa 71. Last evaluated: 2021-05-06. Review status: criteria provided, single submitter. Criteria: ACMG Guidelines, 2015. Collection method: clinical testing. Allele origin: germline. Inheritance: Autosomal recessive inheritance.
Comment: Based on the classification scheme VCGS_Germline_v1.3.4, this variant is classified as VUS-3A. Following criteria are met: 0102 - Loss of function is a known mechanism of disease in this gene and is associated with retinitis pigmentosa 71 (MIM#616394) and short-rib thoracic dysplasia 10 with or without polydactyly (MIM#615630). (I) 0106 - This gene is associated with autosomal recessive disease. (I) 0211 - Canonical splice site variant without proven consequence on splicing (no functional evidence available). (SP) 0251 - This variant is heterozygous. (I) 0304 - Variant is present in gnomAD (v3) <0.01 for a recessive condition (4 heterozygotes, 0 homozygotes). (SP) 0311 - An alternative nucleotide change at the same canonical splice site is present in gnomAD (v2) (1 heterozygote, 0 homozygotes). (I) 0505 - Abnormal splicing is predicted by in silico tools and affected nucleotide is highly conserved. (SP) 0705 - No comparable splice variants have previous evidence for pathogenicity. (I) 0807 - This variant has no previous evidence of pathogenicity. (I) 0905 - No published segregation evidence has been identified for this variant. (I) 1007 - No published functional evidence has been identified for this variant. (I) 1208 - Inheritance information for this variant is not currently available in this individual. (I) Legend: (SP) - Supporting pathogenic, (I) - Information, (SB) - Supporting benign

Blueprint Genetics
Classification: Likely pathogenic for IFT172-related disorders. Last evaluated: 2020-01-03. Review status: criteria provided, single submitter. Criteria: ACMG Guidelines, 2015. Collection method: clinical testing. Allele origin: germline. Affected: yes. Observed: 1 variant allele.

PreventionGenetics, part of Exact Sciences
Classification: Likely pathogenic for IFT172-related condition. Last evaluated: 2024-06-03. Review status: no assertion criteria provided. Collection method: clinical testing. Allele origin: germline. Not counted in ClinVar's aggregate classification.
Comment: The IFT172 c.786-2A>T variant is predicted to disrupt the AG splice acceptor site and interfere with normal splicing. This variant is predicted to alter splicing based on available splicing prediction programs (SpliceAI, Jaganathan et al. 2019. PubMed ID: 30661751). To our knowledge, this variant has not been reported in the literature. This variant is reported in 0.0016% of alleles in individuals of European (Non-Finnish) descent in gnomAD. Variants that disrupt the consensus splice acceptor site in IFT172 are expected to be pathogenic. This variant is interpreted as likely pathogenic.

Literature cited by the submitters: PubMed 16199547 (cited by Labcorp Genetics (formerly Invitae), Labcorp); PubMed 24140113 (cited by Labcorp Genetics (formerly Invitae), Labcorp).